The following is an entry in ClinVar:

ClinVar aggregate classification (germline): Likely pathogenic (1 of 4 stars; one submission).

Conditions:
Premature ovarian failure 5 (POF5). Identifiers: MedGen C1969060, MONDO:0012689, OMIM 611548.

Allele frequency attached by ClinVar (database versions not stated): gnomAD exomes below 0.00001; TOPMed 0.00001.

Submission:

Lupski Lab, Baylor-Hopkins CMG, Baylor College of Medicine
Classification: Likely pathogenic for Premature ovarian failure 5. Last evaluated: 2019-04-22. Review status: criteria provided, single submitter. Criteria: Jolly et al. (J Clin Endocrinol Metab. 2019). Collection method: research. Allele origin: inherited, unknown. Inheritance: Autosomal recessive inheritance. Affected: yes and no. Observed: 3 variant alleles, 2 heterozygotes, 1 homozygote.

NM_001436401.1(NOBOX):c.727C>T (p.Arg243Ter)

Gene: NOBOX (NOBOX oogenesis homeobox; minus strand). Cytogenetic location: 7q35.
Variant type: single nucleotide variant.
Coding change: c.727C>T on transcript NM_001436401.1 (MANE Select); coding-DNA position 727, C replaced by T.
Protein change: p.Arg243Ter; replaces arginine 243 with a stop codon.
Molecular consequence: nonsense.
Genome position (GRCh38, 1-based): chr7:144,399,833, G>A on the plus strand (C>T on the coding strand, the complement: NOBOX is on the minus strand). VCF-style: chr7-144399833-G-A. GRCh37 (hg19) VCF-style: chr7-144096926-G-A.
Other names: NM_001080413.3:c.1078C>T; c.175C>T, p.Arg59Ter (NM_001436402.1); short protein forms R243*, R59*.
Identifiers: ClinVar variation 812129 (VCV000812129.1), dbSNP rs1218620893, ClinGen allele CA369698970.